The following is an entry in ClinVar:

ClinVar aggregate classification (germline): Conflicting classifications of pathogenicity. Review status: criteria provided, conflicting classifications (1 of 4 stars). 3 submissions from 3 submitters: Uncertain significance (1); Likely benign (1). 1 of the submissions does not count toward it. Last evaluated 2026-09-01.

Conditions:
Coffin-Siris syndrome 10. Also called: INTELLECTUAL DEVELOPMENTAL DISORDER WITH SPEECH DELAY AND DYSMORPHIC FACIES. Identifiers: MedGen C4760583, MONDO:0032791, OMIM 618506.
SOX4-related disorder. Also called: SOX4-related condition.

Submissions (3):

CeGaT Center for Human Genetics Tuebingen
Classification: Likely benign. Last evaluated: 2026-09-01. Review status: criteria provided, single submitter. Criteria: CeGaT Center For Human Genetics Tuebingen Variant Classification Criteria Version 2. Collection method: clinical testing. Allele origin: germline. Affected: yes. Observed: 7 variant alleles.
Comment: SOX4: PM4:Supporting, BS1

Department of Pathology and Laboratory Medicine, Sinai Health System
Classification: Uncertain significance for Coffin-Siris syndrome 10. Last evaluated: 2023-02-26. Review status: criteria provided, single submitter. Criteria: ACMG Guidelines, 2015. Collection method: research. Allele origin: germline.

PreventionGenetics, part of Exact Sciences
Classification: Likely benign for SOX4-related condition. Last evaluated: 2022-02-02. Review status: no assertion criteria provided. Collection method: clinical testing. Allele origin: germline. Not counted in ClinVar's aggregate classification.
Comment: This variant is classified as likely benign based on ACMG/AMP sequence variant interpretation guidelines (Richards et al. 2015 PMID: 25741868, with internal and published modifications).

NM_003107.3(SOX4):c.666CGG[6] (p.Gly227_Lys228insGly)

Gene: SOX4 (SRY-box transcription factor 4; plus strand). Cytogenetic location: 6p22.3.
Variant type: Microsatellite.
Coding change: c.666CGG[6] on transcript NM_003107.3 (MANE Select); six copies in a row of the 3-base unit CGG starting at c.666; the reference has five copies in a row; one copy, 3 bases duplicated.
Protein change: p.Gly227_Lys228insGly.
Molecular consequence: inframe insertion.
Genome position (GRCh38, 1-based): chr6:21,595,212-21,595,214, CGG duplicated; duplicating any 3 consecutive bases within chr6:21,595,198-21,595,214 gives the same sequence; the position shown is the placement nearest the transcript's 3' end. VCF-style (leftmost placement, unchanged base first): chr6-21595197-A-AGGC. GRCh37 (hg19) VCF-style: chr6-21595428-A-AGGC.
Other names: c.678_680dupCGG (NM_003107.2).
Identifiers: ClinVar variation 2656272 (VCV002656272.26), dbSNP rs552547778, ClinGen allele CA135863627.